The following is an entry in ClinVar:

NM_000138.5(FBN1):c.2022G>C (p.Leu674Phe)

Gene: FBN1 (fibrillin 1; minus strand). Cytogenetic location: 15q21.1.
Variant type: single nucleotide variant.
Coding change: c.2022G>C on transcript NM_000138.5 (MANE Select); coding-DNA position 2022, G replaced by C.
Protein change: p.Leu674Phe; replaces leucine 674 with phenylalanine.
Molecular consequence: missense variant.
Genome position (GRCh38, 1-based): chr15:48,503,878, C>G on the plus strand (G>C on the coding strand, the complement: FBN1 is on the minus strand). VCF-style: chr15-48503878-C-G. GRCh37 (hg19) VCF-style: chr15-48796075-C-G.
Other names: p.L674F:TTG>TTC; short protein forms L674F.
Identifiers: ClinVar variation 199986 (VCV000199986.9), dbSNP rs794728182, ClinGen allele CA012711.

ClinVar aggregate classification (germline): Uncertain significance. Review status: criteria provided, multiple submitters, no conflicts (2 of 4 stars). 2 submissions from 2 submitters: Uncertain significance (2). Last evaluated 2021-08-24.

Conditions:
Marfan syndrome (MFS). Also called: Marfan syndrome, classic; FBN1-Related Marfan Syndrome; Marfan syndrome type 1; Marfan's syndrome; MARFAN SYNDROME, TYPE I. Identifiers: Orphanet 284963, Orphanet 558, MedGen C0024796, MONDO:0007947, OMIM 154700.
Familial thoracic aortic aneurysm and aortic dissection (TAAD). Also called: Thoracic aortic aneurysms and dissections. Identifiers: Orphanet 91387, MedGen C4707243, MONDO:0019625.

Submissions (2):

Labcorp Genetics (formerly Invitae), Labcorp
Classification: Uncertain significance for Marfan syndrome; Familial thoracic aortic aneurysm and aortic dissection. Last evaluated: 2021-08-24. Review status: criteria provided, single submitter. Criteria: Invitae Variant Classification Sherloc (09022015). Collection method: clinical testing. Allele origin: germline.
Comment: In summary, the available evidence is currently insufficient to determine the role of this variant in disease. Therefore, it has been classified as a Variant of Uncertain Significance. Advanced modeling of protein sequence and biophysical properties (such as structural, functional, and spatial information, amino acid conservation, physicochemical variation, residue mobility, and thermodynamic stability) performed at Invitae indicates that this missense variant is not expected to disrupt FBN1 protein function. This variant has not been reported in the literature in individuals with FBN1-related conditions. ClinVar contains an entry for this variant (Variation ID: 199986). This variant is not present in population databases (ExAC no frequency). This sequence change replaces leucine with phenylalanine at codon 674 of the FBN1 protein (p.Leu674Phe). The leucine residue is highly conserved and there is a small physicochemical difference between leucine and phenylalanine.

GeneDx
Classification: Uncertain significance. Last evaluated: 2014-08-12. Review status: criteria provided, single submitter. Criteria: GeneDx Variant Classification (06012015). Collection method: clinical testing. Allele origin: germline. Affected: yes.
Comment: p.Leu674Phe (TTG>TTC): c.2022 G>C in exon 17 of the FBN1 gene (NM_000138.4) A variant of unknown significance has been identified in the FBN1 gene. The L674F variant has not been published as a mutation, nor has it been reported as a benign polymorphism to our knowledge. The L674F variant is a conservative amino acid substitution, which is not likely to impact secondary protein structure as these residues share similar properties. This substitution occurs at a position that is not conserved across species. In silico analysis is inconsistent in its predictions as to whether or not the variant is damaging to the protein structure/function. However, missense mutations in nearby residues (S681Y, C683Y, C683R, C684Y) have been reported in association with Marfan syndrome, supporting the functional importance of this region of the protein. Furthermore, the L674F variant was not observed in approximately 6,500 individuals of European and African American ancestry in the NHLBI Exome Sequencing Project, indicating it is not a common benign variant in these populations.Therefore, based on the currently available information, it is unclear whether this variant is a pathogenic mutation or a rare benign variant. The variant is found in TAAD panel(s).